The following is an entry in ClinVar:

NM_007194.4(CHEK2):c.1169A>C (p.Tyr390Ser)

Gene: CHEK2 (checkpoint kinase 2; minus strand). Cytogenetic location: 22q12.1.
Variant type: single nucleotide variant.
Coding change: c.1169A>C on transcript NM_007194.4 (MANE Select); coding-DNA position 1169, A replaced by C.
Protein change: p.Tyr390Ser; replaces tyrosine 390 with serine.
Molecular consequence: missense variant.
Genome position (GRCh38, 1-based): chr22:28,695,800, T>G on the plus strand (A>C on the coding strand, the complement: CHEK2 is on the minus strand). VCF-style: chr22-28695800-T-G. GRCh37 (hg19) VCF-style: chr22-29091788-T-G.
Other names: c.1298A>C, p.Tyr433Ser (NM_001005735.3); c.506A>C, p.Tyr169Ser (NM_001257387.3); c.968A>C, p.Tyr323Ser (NM_001349956.3); c.1082A>C, p.Tyr361Ser (NM_145862.3); short protein forms Y390S, Y433S, Y323S, Y361S, Y169S.
Identifiers: ClinVar variation 141818 (VCV000141818.59), dbSNP rs200928781, ClinGen allele CA166521.
Genomic context (GRCh38, chr22:28,695,800, plus strand): 5'-CAGTCCACAGCACGGTTATACCCAGCAGTCCCAACAGAAACAAGAACTTCAGGCGCCAAG[T>G]AGGTGGGGGTTCCACATAAGGTTCTCATGAGAGAGGTCTCTCCCAAAATCTTGGAGTGCC-3'
Protein context (NP_009125.1, residues 380-400): LMRTLCGTPT[Tyr390Ser]LAPEVLVSVG

ClinVar aggregate classification (germline): Pathogenic/Likely pathogenic. Review status: criteria provided, multiple submitters, no conflicts (2 of 4 stars). 20 submissions from 20 submitters: Pathogenic (3); Likely pathogenic (14). 3 of the submissions do not count toward it. Last evaluated 2026-06-11.

Conditions:
Hereditary cancer-predisposing syndrome. Also called: Tumor predisposition; Neoplastic Syndromes, Hereditary; Hereditary neoplastic syndrome; Hereditary Cancer Syndrome. Identifiers: Orphanet 140162, MedGen C0027672, MeSH D009386, MONDO:0015356.
CHEK2-related disorder.
Premature ovarian insufficiency (POF). Also called: Premature ovarian failure. Identifiers: MedGen C4303540, HP:0008209.
Hereditary breast ovarian cancer syndrome. Also called: Hereditary breast and ovarian cancer; Hereditary breast and ovarian cancer syndrome; Hereditary breast and ovarian cancer syndrome (HBOC); Hereditary breast and/or ovarian cancer syndrome; Breast and ovarian cancer; BRCA1- and BRCA2-Associated Hereditary Breast and Ovarian Cancer. Identifiers: Orphanet 145, MedGen C0677776, MeSH D061325, MONDO:0003582. Disease mechanism: loss of function.
CHEK2-related cancer predisposition (TPDS4). Also called: TUMOR PREDISPOSITION SYNDROME 4; CANCER PREDISPOSITION SYNDROME, CHEK2-RELATED; CHEK2-related cancer susceptibility. Identifiers: Orphanet 524, MedGen C5882668, MONDO:0700271, OMIM 609265.
Prostate cancer. Also called: Malignant tumor of prostate. Identifiers: Orphanet 1331, MedGen C0376358, MONDO:0008315, HP:0012125.
Familial cancer of breast. Also called: Hereditary breast cancer; BREAST CANCER, FAMILIAL; hereditary breast carcinoma. Identifiers: Orphanet 227535, MedGen C0346153, MONDO:0016419, OMIM 114480. Disease mechanism: loss of function.
Malignant tumor of breast. Also called: Malignant breast neoplasm; Cancer breast. Identifiers: MedGen C0006142, MONDO:0007254. Disease mechanism: loss of function.

Allele frequency attached by ClinVar (database versions not stated): ExAC 0.00004; TOPMed 0.00001; gnomAD exomes 0.00002.

Submissions 1 to 9 of 20:

PreventionGenetics, part of Exact Sciences
Classification: Likely pathogenic for CHEK2-related condition. Last evaluated: 2026-06-11. Review status: criteria provided, single submitter. Criteria: ACMG Guidelines, 2015. Collection method: clinical testing. Allele origin: germline.
Comment: The CHEK2 c.1169A>C variant is predicted to result in the amino acid substitution p.Tyr390Ser. This variant has been reported in individuals with breast cancer (Desrichard et al. 2011. PubMed ID 22114986), ovarian cancer (Koczkowska et al. 2018. PubMed ID: 30441849), and prostate cancer (Kirchner et al. 2022. PubMed ID: 36360192). Functional studies, one of which used mouse embryonic stem cells, demonstrate this variant leads to null kinase activity (Desrichard et al. 2011. PubMed ID 22114986; Boonen et al. 2022. PubMed ID: 34903604) and it has been interpreted as damaging using a yeast DNA damage repair assay (Delimitsou et al. 2019. PubMed ID 30851065). This variant is interpreted in ClinVar pathogenic/likely pathogenic (Variation ID: 141818). This variant is reported in 0.0053% of alleles in individuals of European (non-Finnish) descent in gnomAD. This variant is interpreted as likely pathogenic.

Center for Genomic Medicine, Rigshospitalet, Copenhagen University Hospital
Classification: Likely pathogenic. Last evaluated: 2025-12-29. Review status: criteria provided, single submitter. Criteria: ACMG Guidelines, 2015. Collection method: clinical testing. Allele origin: germline.
Comment: Classification criteria: PS3, PP3_moderate

Labcorp Genetics (formerly Invitae), Labcorp
Classification: Likely pathogenic for Familial cancer of breast. Last evaluated: 2025-12-29. Review status: criteria provided, single submitter. Criteria: Invitae Variant Classification Sherloc (09022015). Collection method: clinical testing. Allele origin: germline.
Comment: This sequence change replaces tyrosine, which is neutral and polar, with serine, which is neutral and polar, at codon 390 of the CHEK2 protein (p.Tyr390Ser). This variant is present in population databases (rs200928781, gnomAD 0.005%). This missense change has been observed in individual(s) with a personal and/or family history of breast cancer, colorectal cancer, ovarian cancer, and/or uterine sarcoma (PMID: 22114986, 25503501, 27553368, 27751358, 30441849, 30613976, 32957588, 33919281, 33925588, 34072659, 35220195; internal data). It has also been observed to segregate with disease in related individuals. This variant is also known as c.1298A>C, p.Tyr433Ser. ClinVar contains an entry for this variant (Variation ID: 141818). An algorithm developed to predict the effect of missense changes on protein structure and function (PolyPhen-2) suggests that this variant is likely to be disruptive. Experimental studies have shown that this missense change affects CHEK2 function (PMID: 22114986, 30851065, 34903604, 37449874). In summary, the currently available evidence indicates that the variant is pathogenic, but additional data are needed to prove that conclusively. Therefore, this variant has been classified as Likely Pathogenic.

CeGaT Center for Human Genetics Tuebingen
Classification: Pathogenic. Last evaluated: 2025-11-01. Review status: criteria provided, single submitter. Criteria: CeGaT Center For Human Genetics Tuebingen Variant Classification Criteria Version 2. Collection method: clinical testing. Allele origin: germline. Affected: yes. Observed: 3 variant alleles.
Comment: CHEK2: PS3:Very Strong, PS4:Moderate, PM2:Supporting, BP1

Ambry Genetics
Classification: Likely pathogenic for Hereditary cancer-predisposing syndrome. Last evaluated: 2025-09-05. Review status: criteria provided, single submitter. Criteria: Ambry Variant Classification Scheme 2023. Collection method: clinical testing. Allele origin: germline.
Comment: The p.Y390S variant (also known as c.1169A>C), located in coding exon 10 of the CHEK2 gene, results from an A to C substitution at nucleotide position 1169. The tyrosine at codon 390 is replaced by serine, an amino acid with dissimilar properties. This alteration is located in the kinase domain of the CHK2 protein. Based on an in vitro kinase activity test combined with in silico models, this alteration had been associated with no detectable kinase activity and was interpreted as probably deleterious (Desrichard A et al. Breast Cancer Res. 2011;13(6):R119). This alteration also behaved as non-functional in an in vivo, yeast-based growth rate assay (Delimitsou A et al. Hum. Mutat., 2019 May;40:631-648) and was reported as damaging in an mES cell-based assay of CHEK2 activity (Boonen RACM et al. Cancer Res, 2022 02;82:615-631). This variant was reported as functionally impaired in a study assessing CHEK2-complementation through quantification of KAP1 phosphorylation and CHK2 autophosphorylation in human RPE1-CHEK2-knockout cells (Stolarova L et al. Clin Cancer Res, 2023 Aug;29:3037-3050). This amino acid position is highly conserved in available vertebrate species. In addition, this alteration is predicted to be deleterious by in silico analysis. Based on the majority of available evidence to date, this variant is likely to be pathogenic.

GeneDx
Classification: Likely pathogenic. Last evaluated: 2025-04-28. Review status: criteria provided, single submitter. Criteria: GeneDx Variant Classification Process June 2021. Collection method: clinical testing. Allele origin: germline. Affected: yes.
Comment: Published functional studies demonstrate a damaging effect: loss of kinase activity and DNA-damage response (PMID: 22114986, 30851065, 34903604, 37449874); Observed in individuals with personal and/or family history of CHEK2-related cancers (PMID: 22114986, 25503501, 27553368, 32957588, 35220195, 36360192, 37694493); Not observed at significant frequency in large population cohorts (gnomAD); In silico analysis supports that this missense variant has a deleterious effect on protein structure/function; Also known as c.1298A>C, p.Y433S; This variant is associated with the following publications: (PMID: 22114986, 25503501, 27751358, 28152038, 27553368, 30441849, 30851065, 29922827, 34903604, 32183364, 34480478, 33471991, 33925588, 30613976, 33919281, 32805687, 32957588, 35220195, Ayaz2022[article], 19782031, 37694493, 36360192, 37449874, 38201513)

Molecular Pathology, Peter Maccallum Cancer Centre
Classification: Likely pathogenic for Familial cancer of breast. Last evaluated: 2024-12-09. Review status: criteria provided, single submitter. Criteria: ACMG Guidelines, 2015. Collection method: clinical testing. Allele origin: germline. Inheritance: Autosomal dominant inheritance.

Color Diagnostics, LLC DBA Color Health
Classification: Likely pathogenic for Hereditary cancer-predisposing syndrome. Last evaluated: 2024-04-09. Review status: criteria provided, single submitter. Criteria: ACMG Guidelines, 2015. Collection method: clinical testing. Allele origin: germline.
Comment: This missense variant replaces tyrosine with serine at codon 390 of the CHEK2 protein. Computational prediction suggests that this variant may have deleterious impact on protein structure and function. Functional studies have shown that this variant was damaging in kinase assays in mouse embryonic stem cells and in vitro (PMID: 22114986, 34903604), in a yeast DNA damage repair assay (PMID: 30851065), and in a human cell complementation assay (PMID: 37449874). This variant has been reported in at least six individuals affected with breast cancer (PMID: 22114986, 25503501, 33919281, 33925588, 34072659; DOI:10.14744/ejmo.2022.88057). In two breast cancer case-control meta-analyses, this variant has been reported in 3/60463 cases and 3/53461 unaffected individuals (PMID: 33471991; Leiden Open Variation Database DB-ID CHEK2_000348) and in 13/73048 cases and 2/88658 unaffected individuals (PMID: 37449874). This variant also has been reported in one individual each affected with ovarian, pancreatic and Mullerian sarcoma in the uterus (PMID: 29922827, 30441849, 32957588). This variant has been identified in 6/251046 chromosomes in the general population by the Genome Aggregation Database (gnomAD). Based on the available evidence, this variant is classified as Likely Pathogenic.

Baylor Genetics
Classification: Likely pathogenic for Familial cancer of breast. Last evaluated: 2024-03-30. Review status: criteria provided, single submitter. Criteria: ACMG Guidelines, 2015. Collection method: clinical testing. Allele origin: unknown.